The following is an entry in ClinVar:

ClinVar aggregate classification (germline): Likely pathogenic (1 of 4 stars; one submission).

Conditions:
Fanconi anemia complementation group C (FANCC). Also called: Fanconi anemia, group C; FANCONI PANCYTOPENIA, TYPE 3; FACC; FANCC-Related Fanconi Anemia. Identifiers: Orphanet 84, MedGen C3468041, MONDO:0009213, OMIM 227645.

Submission:

Myriad Genetics, Inc.
Classification: Likely pathogenic for Fanconi anemia complementation group C. Last evaluated: 2019-12-25. Review status: criteria provided, single submitter. Criteria: Myriad Women's Health Autosomal Recessive and X-Linked Classification Criteria (2019). Collection method: clinical testing. Allele origin: unknown.
Comment: NM_000136.2(FANCC):c.793G>T(E265*) is expected to be pathogenic in the context of Fanconi anemia, FANCC-related. This variant is predicted to lead to an abnormal or absent protein product due to the creation of a premature termination codon in FANCC, a gene where loss-of-function variants are known to be pathogenic. Please note: this variant was assessed in the context of healthy population screening.

NM_000136.3(FANCC):c.793G>T (p.Glu265Ter)

Genes: FANCC (FA complementation group C; minus strand), AOPEP (aminopeptidase O (putative); plus strand). Cytogenetic location: 9q22.32.
Variant type: single nucleotide variant.
Coding change: c.793G>T on transcript NM_000136.3 (MANE Select); coding-DNA position 793, G replaced by T.
Protein change: p.Glu265Ter; replaces glutamic acid 265 with a stop codon.
Molecular consequence: nonsense.
Genome position (GRCh38, 1-based): chr9:95,135,396, C>A on the plus strand (G>T on the coding strand, the complement: FANCC is on the minus strand). VCF-style: chr9-95135396-C-A. GRCh37 (hg19) VCF-style: chr9-97897678-C-A.
Other names: c.793G>T, p.Glu265Ter (NM_001243743.2, NM_001243744.2); short protein forms E265*.
Identifiers: ClinVar variation 984289 (VCV000984289.3), dbSNP rs1827526425, ClinGen allele CA374109274.